The following is an entry in ClinVar:

ClinVar aggregate classification (germline): Uncertain significance (1 of 4 stars; one submission).

Conditions:
Spinocerebellar ataxia type 19/22 (SCA19). Also called: SPINOCEREBELLAR ATAXIA 19; SPINOCEREBELLAR ATAXIA 22. Identifiers: Orphanet 98772, MedGen C1846367, MONDO:0011819, OMIM 607346.

Submission:

Labcorp Genetics (formerly Invitae), Labcorp
Classification: Uncertain significance for Spinocerebellar ataxia type 19/22. Last evaluated: 2023-11-04. Review status: criteria provided, single submitter. Criteria: Invitae Variant Classification Sherloc (09022015). Collection method: clinical testing. Allele origin: germline.
Comment: This sequence change replaces threonine, which is neutral and polar, with isoleucine, which is neutral and non-polar, at codon 469 of the KCND3 protein (p.Thr469Ile). This variant is not present in population databases (gnomAD no frequency). This variant has not been reported in the literature in individuals affected with KCND3-related conditions. Advanced modeling of protein sequence and biophysical properties (such as structural, functional, and spatial information, amino acid conservation, physicochemical variation, residue mobility, and thermodynamic stability) performed at Invitae indicates that this missense variant is not expected to disrupt KCND3 protein function with a negative predictive value of 80%. In summary, the available evidence is currently insufficient to determine the role of this variant in disease. Therefore, it has been classified as a Variant of Uncertain Significance.

NM_001378969.1(KCND3):c.1406C>T (p.Thr469Ile)

Gene: KCND3 (potassium voltage-gated channel subfamily D member 3; minus strand). Cytogenetic location: 1p13.2.
Variant type: single nucleotide variant.
Coding change: c.1406C>T on transcript NM_001378969.1 (MANE Select); coding-DNA position 1406, C replaced by T.
Protein change: p.Thr469Ile; replaces threonine 469 with isoleucine.
Molecular consequence: missense variant.
Genome position (GRCh38, 1-based): chr1:111,780,280, G>A on the plus strand (C>T on the coding strand, the complement: KCND3 is on the minus strand). VCF-style: chr1-111780280-G-A. GRCh37 (hg19) VCF-style: chr1-112322902-G-A.
Other names: c.1406C>T, p.Thr469Ile (NM_001378970.1, NM_004980.5, NM_172198.3); short protein forms T469I.
Identifiers: ClinVar variation 2693156 (VCV002693156.3), dbSNP rs2525013220, ClinGen allele CA341658691.